The following is an entry in ClinVar:

NM_016239.4(MYO15A):c.5407-2A>T

Gene: MYO15A (myosin XVA; plus strand). Cytogenetic location: 17p11.2.
Variant type: single nucleotide variant.
Coding change: c.5407-2A>T on transcript NM_016239.4 (MANE Select); the canonical splice acceptor site of the intron before coding-DNA position 5407, A replaced by T.
Molecular consequence: splice acceptor variant.
Genome position (GRCh38, 1-based): chr17:18,141,017, A>T. VCF-style: chr17-18141017-A-T. GRCh37 (hg19) VCF-style: chr17-18044331-A-T.
Identifiers: ClinVar variation 3010855 (VCV003010855.3), dbSNP rs2545254942, ClinGen allele CA398600896.

ClinVar aggregate classification (germline): Likely pathogenic (1 of 4 stars; one submission).

Allele frequency attached by ClinVar (database versions not stated): gnomAD exomes below 0.00001.
gnomAD v4.1: 3 of 1,613,878 alleles (0.00019%); highest among the groups gnomAD compares: Non-Finnish European, 0.00025%; no homozygotes.

Submission:

Labcorp Genetics (formerly Invitae), Labcorp
Classification: Likely pathogenic. Last evaluated: 2023-07-31. Review status: criteria provided, single submitter. Criteria: Invitae Variant Classification Sherloc (09022015). Collection method: clinical testing. Allele origin: germline.
Comment: In summary, the currently available evidence indicates that the variant is pathogenic, but additional data are needed to prove that conclusively. Therefore, this variant has been classified as Likely Pathogenic. Algorithms developed to predict the effect of sequence changes on RNA splicing suggest that this variant may disrupt the consensus splice site. This variant has not been reported in the literature in individuals affected with MYO15A-related conditions. This variant is not present in population databases (gnomAD no frequency). This sequence change affects an acceptor splice site in intron 21 of the MYO15A gene. It is expected to disrupt RNA splicing. Variants that disrupt the donor or acceptor splice site typically lead to a loss of protein function (PMID: 16199547), and loss-of-function variants in MYO15A are known to be pathogenic (PMID: 17546645).

Literature cited by the submitters: PubMed 16199547; PubMed 17546645.